The following is an entry in ClinVar:

ClinVar aggregate classification (germline): Uncertain significance (1 of 4 stars; one submission).

Conditions:
Inborn genetic diseases. Identifiers: MedGen C0950123, MeSH D030342.

gnomAD v4.1: 76 of 1,611,028 alleles (0.0047%); highest among the groups gnomAD compares: Non-Finnish European, 0.0058%; no homozygotes.

Submission:

Ambry Genetics
Classification: Uncertain significance for Inborn genetic diseases. Last evaluated: 2025-09-23. Review status: criteria provided, single submitter. Criteria: Ambry Variant Classification Scheme 2023. Collection method: clinical testing. Allele origin: germline.
Comment: The c.6061G>A (p.V2021M) alteration is located in exon 30 (coding exon 30) of the CCDC88C gene. This alteration results from a G to A substitution at nucleotide position 6061, causing the valine (V) at amino acid position 2021 to be replaced by a methionine (M). Based on data from gnomAD, the A allele has an overall frequency of 0.002% (6/273526) total alleles studied. The highest observed frequency was 0.003% (1/30462) of South Asian alleles. This amino acid position is highly conserved in available vertebrate species. The in silico prediction for this alteration is inconclusive. Based on insufficient or conflicting evidence, the clinical significance of this alteration remains unclear.

NM_001080414.4(CCDC88C):c.6061G>A (p.Val2021Met)

Gene: CCDC88C (coiled-coil and HOOK domain protein 88C; minus strand). Cytogenetic location: 14q32.11.
Variant type: single nucleotide variant.
Coding change: c.6061G>A on transcript NM_001080414.4 (MANE Select); coding-DNA position 6061, G replaced by A.
Protein change: p.Val2021Met; replaces valine 2021 with methionine.
Molecular consequence: missense variant. On other transcripts: non-coding transcript variant (2).
Genome position (GRCh38, 1-based): chr14:91,272,651, C>T on the plus strand (G>A on the coding strand, the complement: CCDC88C is on the minus strand). VCF-style: chr14-91272651-C-T. GRCh37 (hg19) VCF-style: chr14-91738995-C-T.
Other names: short protein forms V2021M.
Identifiers: ClinVar variation 4607194 (VCV004607194.1).